The following is an entry in ClinVar:

ClinVar aggregate classification (germline): Likely benign. Review status: criteria provided, multiple submitters, no conflicts (2 of 4 stars). 2 submissions from 2 submitters: Likely benign (2). Last evaluated 2022-06-01.

Conditions:
Hyperkalemic periodic paralysis. Also called: Gamstorp disease; Familial hyperkalemic periodic paralysis. Identifiers: Orphanet 682, MedGen C0238357, MONDO:0008224, OMIM 170500, HP:0007215.

Allele frequency attached by ClinVar (database versions not stated): ExAC 0.00002; ESP Exome Variant Server 0.00008.

Submissions (2):

CeGaT Center for Human Genetics Tuebingen
Classification: Likely benign. Last evaluated: 2022-06-01. Review status: criteria provided, single submitter. Criteria: CeGaT Center For Human Genetics Tuebingen Variant Classification Criteria Version 2. Collection method: clinical testing. Allele origin: germline. Affected: yes. Observed: 1 variant allele.
Comment: SCN4A: BP4

Labcorp Genetics (formerly Invitae), Labcorp
Classification: Likely benign for Hyperkalemic periodic paralysis. Last evaluated: 2021-05-03. Review status: criteria provided, single submitter. Criteria: Invitae Variant Classification Sherloc (09022015). Collection method: clinical testing. Allele origin: germline.

NM_000334.4(SCN4A):c.704-6G>C

Gene: SCN4A (sodium voltage-gated channel alpha subunit 4; minus strand). Cytogenetic location: 17q23.3.
Variant type: single nucleotide variant.
Coding change: c.704-6G>C on transcript NM_000334.4 (MANE Select); 6 bases into the intron before coding-DNA position 704, G replaced by C.
Molecular consequence: intron variant.
Genome position (GRCh38, 1-based): chr17:63,968,361, C>G on the plus strand (G>C on the coding strand, the complement: SCN4A is on the minus strand). VCF-style: chr17-63968361-C-G. GRCh37 (hg19) VCF-style: chr17-62045721-C-G.
Identifiers: ClinVar variation 1625775 (VCV001625775.31), dbSNP rs368225907, ClinGen allele CA8710059.